The following is an entry in ClinVar:

NM_001267550.2(TTN):c.31555C>G (p.His10519Asp)

Gene: TTN (titin; minus strand). Cytogenetic location: 2q31.2.
Variant type: single nucleotide variant.
Coding change: c.31555C>G on transcript NM_001267550.2 (MANE Select); coding-DNA position 31555, C replaced by G.
Protein change: p.His10519Asp; replaces histidine 10519 with aspartic acid.
Molecular consequence: missense variant. On other transcripts: intron variant (3).
Genome position (GRCh38, 1-based): chr2:178,693,648, G>C on the plus strand (C>G on the coding strand, the complement: TTN is on the minus strand). VCF-style: chr2-178693648-G-C. GRCh37 (hg19) VCF-style: chr2-179558375-G-C.
Other names: c.30604C>G, p.His10202Asp (NM_001256850.1); c.27823C>G, p.His9275Asp (NM_133378.4); c.13282+44434C>G (NM_003319.4); c.13858+44434C>G (NM_133437.4); c.13657+44434C>G (NM_133432.3); short protein forms H10202D, H10519D, H9275D.
Identifiers: ClinVar variation 4530862 (VCV004530862.1).
Genomic context (GRCh38, chr2:178,693,648, plus strand): 5'-CTTAGAATGAATTACTAATACCTTTAGGTGGTGGTTCAACCCTTTTGGAAATGGCAACGT[G>C]AATTTTCTCTTCAGTAACAATTTCCTTTTGTACCTCGGGGACTTAAAAAAATGTACATTT-3'
Protein context (NP_001254479.2, residues 10509-10529): QKEIVTEEKI[His10519Asp]VAISKRVEPP

ClinVar aggregate classification (germline): Uncertain significance (1 of 4 stars; one submission).

gnomAD v4.1: 1 of 1,600,374 alleles (0.000062%); highest among the groups gnomAD compares: East Asian, 0.0022%; no homozygotes.

Submission:

GeneDx
Classification: Uncertain significance. Last evaluated: 2025-05-14. Review status: criteria provided, single submitter. Criteria: GeneDx Variant Classification Process June 2021. Collection method: clinical testing. Allele origin: germline. Affected: yes.
Comment: Not observed at significant frequency in large population cohorts (gnomAD); Missense variant in a gene in which most reported pathogenic variants are truncating/loss of function; Has not been previously published as pathogenic or benign to our knowledge